The following is an entry in ClinVar:

ClinVar aggregate classification (germline): Uncertain significance. Review status: criteria provided, multiple submitters, no conflicts (2 of 4 stars). 2 submissions from 2 submitters: Uncertain significance (2). Last evaluated 2025-10-09.

Conditions:
Familial thoracic aortic aneurysm and aortic dissection (TAAD). Also called: Thoracic aortic aneurysms and dissections. Identifiers: Orphanet 91387, MedGen C4707243, MONDO:0019625.
Ehlers-Danlos syndrome, type 4 (EDSVASC). Also called: Ehlers-Danlos syndrome vascular type; Ehlers Danlos syndrome, ecchymotic type; Ehlers Danlos syndrome, arterial type; Ehlers Danlos syndrome, Sack-Barabas type; Ehlers-Danlos Syndrome Type IV. Identifiers: Orphanet 286, MedGen C0268338, MONDO:0017314, OMIM 130050.

Allele frequency attached by ClinVar (database versions not stated): gnomAD exomes below 0.00001; ExAC 0.00001.
gnomAD v4.1: 6 of 1,614,194 alleles (0.00037%); highest among the groups gnomAD compares: Non-Finnish European, 0.00042%; no homozygotes.

Submissions (2):

Labcorp Genetics (formerly Invitae), Labcorp
Classification: Uncertain significance for Ehlers-Danlos syndrome, type 4. Last evaluated: 2025-10-09. Review status: criteria provided, single submitter. Criteria: Invitae Variant Classification Sherloc (09022015). Collection method: clinical testing. Allele origin: germline.
Comment: This sequence change replaces histidine, which is basic and polar, with arginine, which is basic and polar, at codon 1269 of the COL3A1 protein (p.His1269Arg). This variant is present in population databases (rs751092650, gnomAD 0.0009%). This variant has not been reported in the literature in individuals affected with COL3A1-related conditions. ClinVar contains an entry for this variant (Variation ID: 263525). Invitae Evidence Modeling of protein sequence and biophysical properties (such as structural, functional, and spatial information, amino acid conservation, physicochemical variation, residue mobility, and thermodynamic stability) indicates that this missense variant is not expected to disrupt COL3A1 protein function with a negative predictive value of 95%. In summary, the available evidence is currently insufficient to determine the role of this variant in disease. Therefore, it has been classified as a Variant of Uncertain Significance.

Ambry Genetics
Classification: Uncertain significance for Familial thoracic aortic aneurysm and aortic dissection. Last evaluated: 2016-10-10. Review status: criteria provided, single submitter. Criteria: Ambry Variant Classification Scheme 2023. Collection method: clinical testing. Allele origin: germline.
Comment: The p.H1269R variant (also known as c.3806A>G), located in coding exon 48 of the COL3A1 gene, results from an A to G substitution at nucleotide position 3806. The histidine at codon 1269 is replaced by arginine, an amino acid with highly similar properties. Based on data from ExAC, the G allele has an overall frequency of less than 0.01% (1/105450). This amino acid position is highly conserved in available vertebrate species. In addition, this alteration is predicted to be deleterious by in silico analysis. Since supporting evidence is limited at this time, the clinical significance of this alteration remains unclear.

NM_000090.4(COL3A1):c.3806A>G (p.His1269Arg)

Gene: COL3A1 (collagen type III alpha 1 chain; plus strand). Cytogenetic location: 2q32.2.
Variant type: single nucleotide variant.
Coding change: c.3806A>G on transcript NM_000090.4 (MANE Select); coding-DNA position 3806, A replaced by G.
Protein change: p.His1269Arg; replaces histidine 1269 with arginine.
Molecular consequence: missense variant.
Genome position (GRCh38, 1-based): chr2:189,009,204, A>G. VCF-style: chr2-189009204-A-G. GRCh37 (hg19) VCF-style: chr2-189873930-A-G.
Other names: short protein forms H1269R.
Identifiers: ClinVar variation 263525 (VCV000263525.10), dbSNP rs751092650, ClinGen allele CA076288.